The following is an entry in ClinVar:

ClinVar aggregate classification (germline): Uncertain significance. Review status: criteria provided, multiple submitters, no conflicts (2 of 4 stars). 3 submissions from 3 submitters: Uncertain significance (3). Last evaluated 2026-04-23.

Conditions:
STING1-related disorder. Also called: STING1-related condition.
Inborn genetic diseases. Identifiers: MedGen C0950123, MeSH D030342.
STING-associated vasculopathy with onset in infancy. Also called: Sting-associated vasculopathy, infantile-onset. Identifiers: Orphanet 425120, MedGen C4014722, MONDO:0014405, OMIM 615934.

Allele frequency attached by ClinVar (database versions not stated): ExAC 0.00001; gnomAD 0.00002; gnomAD exomes 0.00002; TOPMed 0.00003.
gnomAD v4.1: 31 of 1,612,410 alleles (0.0019%); highest among the groups gnomAD compares: Admixed American, 0.0067%; no homozygotes.

Submissions (3):

Ambry Genetics
Classification: Uncertain significance for Inborn genetic diseases. Last evaluated: 2026-04-23. Review status: criteria provided, single submitter. Criteria: Ambry Variant Classification Scheme 2023. Collection method: clinical testing. Allele origin: germline.
Comment: The p.R334Q variant (also known as c.1001G>A), located in coding exon 6 of the TMEM173 gene, results from a G to A substitution at nucleotide position 1001. The arginine at codon 334 is replaced by glutamine, an amino acid with highly similar properties. This amino acid position is conserved. In addition, this alteration is predicted to be tolerated by in silico analysis. Based on the available evidence, the clinical significance of this variant remains unclear.

PreventionGenetics, part of Exact Sciences
Classification: Uncertain significance for STING1-related condition. Last evaluated: 2026-04-04. Review status: criteria provided, single submitter. Criteria: ACMG Guidelines, 2015. Collection method: clinical testing. Allele origin: germline.
Comment: The STING1 c.1001G>A variant is predicted to result in the amino acid substitution p.Arg334Gln. To our knowledge, this variant has not been reported in the literature. This variant is reported in 0.0080% of alleles in individuals of African descent in gnomAD. At this time, the clinical significance of this variant is uncertain due to the absence of conclusive functional and genetic evidence.

Labcorp Genetics (formerly Invitae), Labcorp
Classification: Uncertain significance for STING-associated vasculopathy with onset in infancy. Last evaluated: 2025-12-29. Review status: criteria provided, single submitter. Criteria: Invitae Variant Classification Sherloc (09022015). Collection method: clinical testing. Allele origin: germline.
Comment: This sequence change replaces arginine, which is basic and polar, with glutamine, which is neutral and polar, at codon 334 of the TMEM173 protein (p.Arg334Gln). This variant is present in population databases (rs758939417, gnomAD 0.008%). This variant has not been reported in the literature in individuals affected with TMEM173-related conditions. ClinVar contains an entry for this variant (Variation ID: 840257). Invitae Evidence Modeling of protein sequence and biophysical properties (such as structural, functional, and spatial information, amino acid conservation, physicochemical variation, residue mobility, and thermodynamic stability) indicates that this missense variant is not expected to disrupt TMEM173 protein function with a negative predictive value of 80%. In summary, the available evidence is currently insufficient to determine the role of this variant in disease. Therefore, it has been classified as a Variant of Uncertain Significance.

NM_198282.4(STING1):c.1001G>A (p.Arg334Gln)

Gene: STING1 (stimulator of interferon response cGAMP interactor 1; minus strand). Cytogenetic location: 5q31.2.
Variant type: single nucleotide variant.
Coding change: c.1001G>A on transcript NM_198282.4 (MANE Select); coding-DNA position 1001, G replaced by A.
Protein change: p.Arg334Gln; replaces arginine 334 with glutamine.
Molecular consequence: missense variant.
Genome position (GRCh38, 1-based): chr5:139,476,400, C>T on the plus strand (G>A on the coding strand, the complement: STING1 is on the minus strand). VCF-style: chr5-139476400-C-T. GRCh37 (hg19) VCF-style: chr5-138855985-C-T.
Other names: c.814G>A, p.Gly272Ser (NM_001301738.2); c.644G>A, p.Arg215Gln (NM_001367258.1); c.1001G>A (NM_198282.2); short protein forms R215Q, G272S, R334Q.
Identifiers: ClinVar variation 840257 (VCV000840257.12), dbSNP rs758939417, ClinGen allele CA3435251.